The following is an entry in ClinVar:

NM_153676.4(USH1C):c.95T>C (p.Met32Thr)

Gene: USH1C (USH1 protein network component harmonin; minus strand). Cytogenetic location: 11p15.1.
Variant type: single nucleotide variant.
Coding change: c.95T>C on transcript NM_153676.4 (MANE Select); coding-DNA position 95, T replaced by C.
Protein change: p.Met32Thr; replaces methionine 32 with threonine.
Molecular consequence: missense variant. On other transcripts: non-coding transcript variant (1).
Genome position (GRCh38, 1-based): chr11:17,533,264, A>G on the plus strand (T>C on the coding strand, the complement: USH1C is on the minus strand). VCF-style: chr11-17533264-A-G. GRCh37 (hg19) VCF-style: chr11-17554811-A-G.
Other names: c.95T>C, p.Met32Thr (NM_001297764.2, NM_005709.4); short protein forms M32T.
Identifiers: ClinVar variation 2178360 (VCV002178360.2), dbSNP rs376949470, ClinGen allele CA5905184.

ClinVar aggregate classification (germline): Uncertain significance. Review status: criteria provided, multiple submitters, no conflicts (2 of 4 stars). 2 submissions from 2 submitters: Uncertain significance (2). Last evaluated 2022-10-27.

Allele frequency attached by ClinVar (database versions not stated): gnomAD 0.00001; ExAC 0.00002; TOPMed 0.00002; ESP Exome Variant Server 0.00008.
gnomAD v4.1: 15 of 1,613,842 alleles (0.00093%); highest among the groups gnomAD compares: African/African-American, 0.0013%; no homozygotes.

Submissions (2):

Blueprint Genetics
Classification: Uncertain significance. Last evaluated: 2022-10-27. Review status: criteria provided, single submitter. Criteria: ACMG Guidelines, 2015. Collection method: clinical testing. Allele origin: germline.

Labcorp Genetics (formerly Invitae), Labcorp
Classification: Uncertain significance. Last evaluated: 2021-09-24. Review status: criteria provided, single submitter. Criteria: Invitae Variant Classification Sherloc (09022015). Collection method: clinical testing. Allele origin: germline.
Comment: This sequence change replaces methionine with threonine at codon 32 of the USH1C protein (p.Met32Thr). The methionine residue is highly conserved and there is a moderate physicochemical difference between methionine and threonine. This variant is present in population databases (rs376949470, ExAC 0.01%). This variant has not been reported in the literature in individuals with USH1C-related conditions. Algorithms developed to predict the effect of missense changes on protein structure and function are either unavailable or do not agree on the potential impact of this missense change (SIFT: "Tolerated"; PolyPhen-2: "Possibly Damaging"; Align-GVGD: "Class C0"). In summary, the available evidence is currently insufficient to determine the role of this variant in disease. Therefore, it has been classified as a Variant of Uncertain Significance.